The following is an entry in ClinVar:

ClinVar aggregate classification (germline): Uncertain significance. Review status: criteria provided, multiple submitters, no conflicts (2 of 4 stars). 2 submissions from 2 submitters: Uncertain significance (2). Last evaluated 2024-01-17.

Conditions:
Inborn genetic diseases. Identifiers: MedGen C0950123, MeSH D030342.
Ehlers-Danlos syndrome, musculocontractural type 2 (EDSMC2). Identifiers: Orphanet 2953, MedGen C3809845, MONDO:0014236, OMIM 615539.

Allele frequency attached by ClinVar (database versions not stated): gnomAD 0.00001; gnomAD exomes 0.00002; TOPMed 0.00002; ExAC 0.00003.
gnomAD v4.1: 35 of 1,614,154 alleles (0.0022%); highest among the groups gnomAD compares: Middle Eastern, 0.033%; no homozygotes.

Submissions (2):

Ambry Genetics
Classification: Uncertain significance for Inborn genetic diseases. Last evaluated: 2024-01-17. Review status: criteria provided, single submitter. Criteria: Ambry Variant Classification Scheme 2023. Collection method: clinical testing. Allele origin: germline.

Labcorp Genetics (formerly Invitae), Labcorp
Classification: Uncertain significance for Ehlers-Danlos syndrome, musculocontractural type 2. Last evaluated: 2022-06-30. Review status: criteria provided, single submitter. Criteria: Invitae Variant Classification Sherloc (09022015). Collection method: clinical testing. Allele origin: germline.
Comment: This sequence change replaces arginine, which is basic and polar, with glutamine, which is neutral and polar, at codon 765 of the DSE protein (p.Arg765Gln). In summary, the available evidence is currently insufficient to determine the role of this variant in disease. Therefore, it has been classified as a Variant of Uncertain Significance. Algorithms developed to predict the effect of missense changes on protein structure and function output the following: SIFT: "Not Available"; PolyPhen-2: "Benign"; Align-GVGD: "Not Available". The glutamine amino acid residue is found in multiple mammalian species, which suggests that this missense change does not adversely affect protein function. This variant has not been reported in the literature in individuals affected with DSE-related conditions. This variant is present in population databases (rs773782030, gnomAD 0.02%).

NM_013352.4(DSE):c.2294G>A (p.Arg765Gln)

Gene: DSE (dermatan sulfate epimerase; plus strand). Cytogenetic location: 6q22.1.
Variant type: single nucleotide variant.
Coding change: c.2294G>A on transcript NM_013352.4 (MANE Select); coding-DNA position 2294, G replaced by A.
Protein change: p.Arg765Gln; replaces arginine 765 with glutamine.
Molecular consequence: missense variant. On other transcripts: 3 prime UTR variant (2), non-coding transcript variant (1).
Genome position (GRCh38, 1-based): chr6:116,436,762, G>A. VCF-style: chr6-116436762-G-A. GRCh37 (hg19) VCF-style: chr6-116757925-G-A.
Other names: c.2294G>A (NM_013352.2); c.2294G>A, p.Arg765Gln (NM_001080976.3, NM_001322937.2, NM_001322938.2); c.2351G>A, p.Arg784Gln (NM_001322939.2); c.1733G>A, p.Arg578Gln (NM_001322940.2, NM_001322941.2); c.*1159G>A (NM_001322943.2, NM_001322944.2); c.1295G>A, p.Arg432Gln (NM_001374520.1); c.1259G>A, p.Arg420Gln (NM_001374521.1); short protein forms R432Q, R578Q, R784Q, R420Q, R765Q.
Identifiers: ClinVar variation 2043501 (VCV002043501.5), dbSNP rs773782030, ClinGen allele CA3969790.
Genomic context (GRCh38, chr6:116,436,762, plus strand): 5'-ACTTGCAGCATTTTAAACCAGTGTTTCAGCTGCTGGAGAAGCAGATACTGTCCCGAGTCC[G>A]GAACACAGCTAGCTTTAGGAAGACTGCTGAACGCCTGCTGAGATTTTCAGATAAGAGACA-3'
Protein context (NP_037484.1, residues 755-775): LLEKQILSRV[Arg765Gln]NTASFRKTAE